The following is an entry in ClinVar:

NC_000023.10:g.(?_32509374)_(32536268_?)dup

Gene: DMD (dystrophin; minus strand). Cytogenetic location: Xp21.1.
Variant type: Duplication.
Identifiers: ClinVar variation 1523514 (VCV001523514.7).

ClinVar aggregate classification (germline): Likely pathogenic (1 of 4 stars; one submission).

Conditions:
Duchenne muscular dystrophy (DMD). Also called: MUSCULAR DYSTROPHY, PSEUDOHYPERTROPHIC PROGRESSIVE, DUCHENNE TYPE; Duchenne Muscular Dystrophy (DMD). Identifiers: Orphanet 98896, MedGen C0013264, MONDO:0010679, OMIM 310200.

Submission:

Labcorp Genetics (formerly Invitae), Labcorp
Classification: Likely pathogenic for Duchenne muscular dystrophy. Last evaluated: 2021-07-17. Review status: criteria provided, single submitter. Criteria: Invitae Variant Classification Sherloc (09022015). Collection method: clinical testing. Allele origin: germline.
Comment: In summary, the currently available evidence indicates that the variant is pathogenic, but additional data are needed to prove that conclusively. Therefore, this variant has been classified as Likely Pathogenic. This variant has been observed in individual(s) with Duchenne muscular dystrophy (Invitae). This variant results in a copy number gain of the genomic region encompassing exon(s) 18-20 of the DMD gene. While the exact position of this variant cannot be determined from the data, sub-genic copy number gains are generally in tandem (PMID: 25640679). This variant is predicted to be out-of-frame, and may result in an absent or disrupted protein product. Loss-of-function variants in DMD are known to be pathogenic (PMID: 16770791, 25007885).

Literature cited by the submitters: PubMed 25640679; PubMed 16770791; PubMed 25007885.